The following is an entry in ClinVar:

ClinVar aggregate classification (germline): Uncertain significance (1 of 4 stars; one submission).

Conditions:
Cardiovascular phenotype. Identifiers: MedGen CN230736.

Submission:

Ambry Genetics
Classification: Uncertain significance for Cardiovascular phenotype. Last evaluated: 2026-05-14. Review status: criteria provided, single submitter. Criteria: Ambry Variant Classification Scheme 2023. Collection method: clinical testing. Allele origin: germline.
Comment: The p.T1156A variant (also known as c.3466A>G), located in coding exon 8 of the HCN4 gene, results from an A to G substitution at nucleotide position 3466. The threonine at codon 1156 is replaced by alanine, an amino acid with similar properties. This amino acid position is conserved. In addition, this alteration is predicted to be tolerated by in silico analysis. Based on the available evidence, the clinical significance of this variant remains unclear.

NM_005477.3(HCN4):c.3466A>G (p.Thr1156Ala)

Gene: HCN4 (hyperpolarization activated cyclic nucleotide gated potassium channel 4; minus strand). Cytogenetic location: 15q24.1.
Variant type: single nucleotide variant.
Coding change: c.3466A>G on transcript NM_005477.3 (MANE Select); coding-DNA position 3466, A replaced by G.
Protein change: p.Thr1156Ala; replaces threonine 1156 with alanine.
Molecular consequence: missense variant.
Genome position (GRCh38, 1-based): chr15:73,322,627, T>C on the plus strand (A>G on the coding strand, the complement: HCN4 is on the minus strand). VCF-style: chr15-73322627-T-C. GRCh37 (hg19) VCF-style: chr15-73614968-T-C.
Other names: short protein forms T1156A.
Identifiers: ClinVar variation 4858307 (VCV004858307.1).